The following is an entry in ClinVar:

ClinVar aggregate classification (germline): Likely benign (0 of 4 stars; one submission).

Conditions:
PCSK1-related disorder. Also called: PCSK1-related condition.

Allele frequency attached by ClinVar (database versions not stated): gnomAD exomes below 0.00001.
gnomAD v4.1: 2 of 1,614,068 alleles (0.00012%); highest among the groups gnomAD compares: Admixed American, 0.0017%; no homozygotes.

Submission:

PreventionGenetics, part of Exact Sciences
Classification: Likely benign for PCSK1-related condition. Last evaluated: 2019-07-11. Review status: no assertion criteria provided. Collection method: clinical testing. Allele origin: germline.
Comment: This variant is classified as likely benign based on ACMG/AMP sequence variant interpretation guidelines (Richards et al. 2015 PMID: 25741868, with internal and published modifications).

NM_000439.5(PCSK1):c.1014C>T (p.Gly338=)

Genes: CAST (calpastatin; plus strand), PCSK1 (proprotein convertase subtilisin/kexin type 1; minus strand), LOC101929710 (uncharacterized LOC101929710; plus strand). Cytogenetic location: 5q15.
Variant type: single nucleotide variant.
Coding change: c.1014C>T on transcript NM_000439.5 (MANE Select); coding-DNA position 1014, C replaced by T.
Protein change: p.Gly338=; no amino-acid change (glycine 338 retained).
Molecular consequence: synonymous variant. On other transcripts: intron variant (11).
Genome position (GRCh38, 1-based): chr5:96,410,855, G>A on the plus strand (C>T on the coding strand, the complement: PCSK1 is on the minus strand). VCF-style: chr5-96410855-G-A. GRCh37 (hg19) VCF-style: chr5-95746559-G-A.
Other names: c.873C>T, p.Gly291= (NM_001177875.2); c.-175+31203G>A (NM_001423254.1, NM_001423259.1, NM_001423255.1 and 6 more transcripts); c.-103+31203G>A (NM_001423253.1); c.-40+31203G>A (NM_001423258.1).
Identifiers: ClinVar variation 3049689 (VCV003049689.2), dbSNP rs1307895014, ClinGen allele CA445494381.